The following is an entry in ClinVar:

NM_017909.4(RMND1):c.1167G>A (p.Thr389=)

Gene: RMND1 (required for meiotic nuclear division 1 homolog; minus strand). Cytogenetic location: 6q25.1.
Variant type: single nucleotide variant.
Coding change: c.1167G>A on transcript NM_017909.4 (MANE Select); coding-DNA position 1167, G replaced by A.
Protein change: p.Thr389=; no amino-acid change (threonine 389 retained).
Molecular consequence: synonymous variant.
Genome position (GRCh38, 1-based): chr6:151,417,312, C>T on the plus strand (G>A on the coding strand, the complement: RMND1 is on the minus strand). VCF-style: chr6-151417312-C-T. GRCh37 (hg19) VCF-style: chr6-151738447-C-T.
Other names: p.Thr389=; c.657G>A, p.Thr219= (NM_001271937.2).
Identifiers: ClinVar variation 735961 (VCV000735961.19), dbSNP rs116201484, ClinGen allele CA4050789.

ClinVar aggregate classification (germline): Benign/Likely benign. Review status: criteria provided, multiple submitters, no conflicts (2 of 4 stars). 6 submissions from 6 submitters: Benign (1); Likely benign (4). 1 of the submissions does not count toward it. Last evaluated 2026-03-01.

Conditions:
RMND1-related disorder. Also called: RMND1-related condition.
Combined oxidative phosphorylation defect type 11. Also called: ENCEPHALONEUROMYOPATHY, INFANTILE, DUE TO MITOCHONDRIAL TRANSLATION DEFECT; Combined oxidative phosphorylation deficiency 11. Identifiers: Orphanet 324535, MedGen C5190991, MONDO:0013969, OMIM 614922.

Allele frequency attached by ClinVar (database versions not stated): gnomAD exomes 0.00018; ExAC 0.00029; ESP Exome Variant Server 0.00054; gnomAD 0.00067 and 0.00071; TOPMed 0.00067; 1000 Genomes Project 0.00140; 1000 Genomes Project 30x 0.00187.
gnomAD v4.1: 212 of 1,613,180 alleles (0.013%); highest among the groups gnomAD compares: African/African-American, 0.19%; 1 homozygote.

Submissions (6):

CeGaT Center for Human Genetics Tuebingen
Classification: Likely benign. Last evaluated: 2026-03-01. Review status: criteria provided, single submitter. Criteria: CeGaT Center For Human Genetics Tuebingen Variant Classification Criteria Version 2. Collection method: clinical testing. Allele origin: germline. Affected: yes. Observed: 1 variant allele.
Comment: RMND1: BP4, BP7

Labcorp Genetics (formerly Invitae), Labcorp
Classification: Benign. Last evaluated: 2025-12-21. Review status: criteria provided, single submitter. Criteria: Invitae Variant Classification Sherloc (09022015). Collection method: clinical testing. Allele origin: germline.

Mayo Clinic Laboratories, Mayo Clinic
Classification: Likely benign. Last evaluated: 2024-12-30. Review status: criteria provided, single submitter. Criteria: ACMG Guidelines, 2015. Collection method: clinical testing. Allele origin: germline. Observed: 4 variant alleles.
Comment: BS1, BP4, BP7

Blueprint Genetics
Classification: Likely benign. Last evaluated: 2024-03-25. Review status: criteria provided, single submitter. Criteria: ACMG Guidelines, 2015. Collection method: clinical testing. Allele origin: germline.

Fulgent Genetics
Classification: Likely benign for Combined oxidative phosphorylation defect type 11. Last evaluated: 2021-11-10. Review status: criteria provided, single submitter. Criteria: ACMG Guidelines, 2015. Collection method: clinical testing. Allele origin: unknown.

PreventionGenetics, part of Exact Sciences
Classification: Likely benign for RMND1-related condition. Last evaluated: 2019-12-17. Review status: no assertion criteria provided. Collection method: clinical testing. Allele origin: germline. Not counted in ClinVar's aggregate classification.
Comment: This variant is classified as likely benign based on ACMG/AMP sequence variant interpretation guidelines (Richards et al. 2015 PMID: 25741868, with internal and published modifications).